The following is an entry in ClinVar:

NM_001079866.2(BCS1L):c.429_432dup (p.Lys145fs)

Gene: BCS1L (BCS1 ubiquinol-cytochrome c reductase complex chaperone; plus strand). Cytogenetic location: 2q35.
Variant type: Duplication.
Coding change: c.429_432dup on transcript NM_001079866.2 (MANE Select); coding-DNA positions 429 to 432, 4 bases duplicated (CCGA; older notation c.429_432dupCCGA).
Protein change: p.Lys145fs; shifts the reading frame from lysine 145.
Molecular consequence: frameshift variant. On other transcripts: 5 prime UTR variant (5), non-coding transcript variant (1), intron variant (1).
Genome position (GRCh38, 1-based): chr2:218,661,514-218,661,517, CCGA duplicated; duplicating any 4 consecutive bases within chr2:218,661,512-218,661,517 gives the same sequence; the c. name uses the placement nearest the transcript's 3' end. VCF-style (leftmost placement, unchanged base first): chr2-218661511-T-TGACC. GRCh37 (hg19) VCF-style: chr2-219526234-T-TGACC.
Other names: c.429_432dup, p.Lys145fs (NM_001257343.2, NM_001257344.2, NM_001320717.2 and 10 more transcripts); c.69_72dup, p.Lys25fs (NM_001318836.2, NM_001371451.1); c.-48_-45dup (NM_001371453.1, NM_001371454.1, NM_001371455.1 and 2 more transcripts); c.-41-245_-41-242dup (NM_001371452.1); short protein forms K25fs, K145fs.
Identifiers: ClinVar variation 2023779 (VCV002023779.4), dbSNP rs2469874383, ClinGen allele CA2580065715.

ClinVar aggregate classification (germline): Pathogenic (1 of 4 stars; one submission).

Submission:

Labcorp Genetics (formerly Invitae), Labcorp
Classification: Pathogenic. Last evaluated: 2022-08-12. Review status: criteria provided, single submitter. Criteria: Invitae Variant Classification Sherloc (09022015). Collection method: clinical testing. Allele origin: germline.
Comment: For these reasons, this variant has been classified as Pathogenic. This variant has not been reported in the literature in individuals affected with BCS1L-related conditions. This variant is not present in population databases (gnomAD no frequency). This sequence change creates a premature translational stop signal (p.Lys145Profs*32) in the BCS1L gene. It is expected to result in an absent or disrupted protein product. Loss-of-function variants in BCS1L are known to be pathogenic (PMID: 12215968, 17314340, 19162478, 19508421, 22277166, 25895478).

Literature cited by the submitters: PubMed 12215968; PubMed 17314340; PubMed 19162478; PubMed 19508421; PubMed 22277166; PubMed 25895478.